The following is an entry in ClinVar:

ClinVar aggregate classification (germline): Pathogenic/Likely pathogenic. Review status: criteria provided, multiple submitters, no conflicts (2 of 4 stars). 3 submissions from 3 submitters: Pathogenic (1); Likely pathogenic (2). Last evaluated 2024-08-19.

Conditions:
Deficiency of hydroxymethylglutaryl-CoA lyase (HMGCLD). Also called: HMGCL DEFICIENCY; HYDROXYMETHYLGLUTARIC ACIDURIA; Defect in leucine metabolism; 3-hydroxy-3-methylglutaric aciduria; HMG-CoA LYASE DEFICIENCY. Identifiers: Orphanet 20, MedGen C1533587, MONDO:0009520, OMIM 246450.

Allele frequency attached by ClinVar (database versions not stated): gnomAD exomes below 0.00001; ExAC 0.00001.
gnomAD v4.1: 1 of 1,614,020 alleles (0.000062%); highest among the groups gnomAD compares: Non-Finnish European, 0.000085%; no homozygotes.

Submissions (3):

Women's Health and Genetics/Laboratory Corporation of America, LabCorp
Classification: Likely pathogenic for Deficiency of hydroxymethylglutaryl-CoA lyase. Last evaluated: 2024-08-19. Review status: criteria provided, single submitter. Criteria: LabCorp Variant Classification Summary - May 2015. Collection method: clinical testing. Allele origin: germline.
Comment: Variant summary: HMGCL c.521G>A (p.Cys174Tyr) results in a non-conservative amino acid change located in the Pyruvate carboxyltransferase domain (IPR000891) of the encoded protein sequence. Five of five in-silico tools predict a damaging effect of the variant on protein function. The variant allele was found at a frequency of 4e-06 in 251330 control chromosomes. c.521G>A has been reported in the literature in a homozygous individual affected with HMG-CoA Lyase Deficiency (Menao_2008). These data indicate that the variant may be associated with disease. At least one publication reports experimental evidence evaluating an impact on protein function. The most pronounced variant effect results in <5% of normal activity in an in vitro enzymatic activity assay (Menao_2008). ClinVar contains an entry for this variant (Variation ID: 2676033). Based on the evidence outlined above, the variant was classified as likely pathogenic.

Neuberg Centre For Genomic Medicine, NCGM
Classification: Pathogenic for Deficiency of hydroxymethylglutaryl-CoA lyase. Last evaluated: 2023-05-20. Review status: criteria provided, single submitter. Criteria: ACMG Guidelines, 2015. Collection method: clinical testing. Allele origin: germline. Inheritance: Autosomal recessive inheritance. Affected: yes.
Comment: The missense variant c.521G>A (p.Cys174Tyr) in the HMGCL gene has been reported previously in an individual affected with 3-hydroxy-3-methyl-glutaric aciduria (Menao et al., 2009). Experimental studies show a damaging effect. This variant is reported with the allele frequency (0.0003%) in the gnomAD Exomes. The amino acid Cysteine at position 174 is changed to a Tyrosine changing protein sequence and it might alter its composition and physico-chemical properties. Multiple lines of computational evidence (Polyphen - Damaging, SIFT - Damaging and MutationTaster - Disease causing) predict a damaging effect on protein structure and function for this variant. The amino acid change p.Cys174Tyr in HMGCL is predicted as conserved by GERP++ and PhyloP across 100 vertebrates. For these reasons, this variant has been classified as Pathogenic.

Baylor Genetics
Classification: Likely pathogenic for Deficiency of hydroxymethylglutaryl-CoA lyase. Last evaluated: 2023-01-02. Review status: criteria provided, single submitter. Criteria: ACMG Guidelines, 2015. Collection method: clinical testing. Allele origin: unknown.

Literature cited by the submitters: PubMed 19177531 (cited by Women's Health and Genetics/Laboratory Corporation of America, LabCorp).

NM_000191.3(HMGCL):c.521G>A (p.Cys174Tyr)

Gene: HMGCL (3-hydroxy-3-methylglutaryl-CoA lyase; minus strand). Cytogenetic location: 1p36.11.
Variant type: single nucleotide variant.
Coding change: c.521G>A on transcript NM_000191.3 (MANE Select); coding-DNA position 521, G replaced by A.
Protein change: p.Cys174Tyr; replaces cysteine 174 with tyrosine.
Molecular consequence: missense variant. On other transcripts: intron variant (1).
Genome position (GRCh38, 1-based): chr1:23,810,776, C>T on the plus strand (G>A on the coding strand, the complement: HMGCL is on the minus strand). VCF-style: chr1-23810776-C-T. GRCh37 (hg19) VCF-style: chr1-24137266-C-T.
Other names: c.349-2453G>A (NM_001166059.2); short protein forms C174Y.
Identifiers: ClinVar variation 2676033 (VCV002676033.5), dbSNP rs765475941, ClinGen allele CA686065.